The following is an entry in ClinVar:

ClinVar aggregate classification (germline): Uncertain significance. Review status: criteria provided, multiple submitters, no conflicts (2 of 4 stars). 2 submissions from 2 submitters: Uncertain significance (2). Last evaluated 2025-03-03.

Conditions:
Hereditary cancer-predisposing syndrome. Also called: Neoplastic Syndromes, Hereditary; Tumor predisposition; Hereditary neoplastic syndrome; Hereditary Cancer Syndrome. Identifiers: Orphanet 140162, MedGen C0027672, MeSH D009386, MONDO:0015356.

Submissions (2):

Ambry Genetics
Classification: Uncertain significance for Hereditary cancer-predisposing syndrome. Last evaluated: 2025-03-03. Review status: criteria provided, single submitter. Criteria: Ambry Variant Classification Scheme 2023. Collection method: clinical testing. Allele origin: germline.
Comment: The p.D249N variant (also known as c.745G>A), located in coding exon 5 of the RAD50 gene, results from a G to A substitution at nucleotide position 745. The aspartic acid at codon 249 is replaced by asparagine, an amino acid with highly similar properties. This amino acid position is conserved. In addition, this alteration is predicted to be tolerated by in silico analysis. Since supporting evidence is limited at this time, the clinical significance of this alteration remains unclear.

Labcorp Genetics (formerly Invitae), Labcorp
Classification: Uncertain significance for Hereditary cancer-predisposing syndrome. Last evaluated: 2023-07-14. Review status: criteria provided, single submitter. Criteria: Invitae Variant Classification Sherloc (09022015). Collection method: clinical testing. Allele origin: germline.
Comment: This sequence change replaces aspartic acid, which is acidic and polar, with asparagine, which is neutral and polar, at codon 249 of the RAD50 protein (p.Asp249Asn). This variant is not present in population databases (gnomAD no frequency). In summary, the available evidence is currently insufficient to determine the role of this variant in disease. Therefore, it has been classified as a Variant of Uncertain Significance. Advanced modeling of protein sequence and biophysical properties (such as structural, functional, and spatial information, amino acid conservation, physicochemical variation, residue mobility, and thermodynamic stability) performed at Invitae indicates that this missense variant is not expected to disrupt RAD50 protein function. ClinVar contains an entry for this variant (Variation ID: 2451436). This variant has not been reported in the literature in individuals affected with RAD50-related conditions.

NM_005732.4(RAD50):c.745G>A (p.Asp249Asn)

Gene: RAD50 (RAD50 double strand break repair protein; plus strand). Cytogenetic location: 5q31.1.
Variant type: single nucleotide variant.
Coding change: c.745G>A on transcript NM_005732.4 (MANE Select); coding-DNA position 745, G replaced by A.
Protein change: p.Asp249Asn; replaces aspartic acid 249 with asparagine.
Molecular consequence: missense variant.
Genome position (GRCh38, 1-based): chr5:132,580,055, G>A. VCF-style: chr5-132580055-G-A. GRCh37 (hg19) VCF-style: chr5-131915747-G-A.
Other names: short protein forms D249N.
Identifiers: ClinVar variation 2451436 (VCV002451436.6), dbSNP rs1750479395, ClinGen allele CA360937379.